The following is an entry in ClinVar:

NM_001429.4(EP300):c.5654C>A (p.Pro1885His)

Gene: EP300 (EP300 lysine acetyltransferase; plus strand). Cytogenetic location: 22q13.2.
Variant type: single nucleotide variant.
Coding change: c.5654C>A on transcript NM_001429.4 (MANE Select); coding-DNA position 5654, C replaced by A.
Protein change: p.Pro1885His; replaces proline 1885 with histidine.
Molecular consequence: missense variant.
Genome position (GRCh38, 1-based): chr22:41,177,365, C>A. VCF-style: chr22-41177365-C-A. GRCh37 (hg19) VCF-style: chr22-41573369-C-A.
Other names: c.5576C>A, p.Pro1859His (NM_001362843.2); short protein forms P1859H, P1885H.
Identifiers: ClinVar variation 4802956 (VCV004802956.1).
Genomic context (GRCh38, chr22:41,177,365, plus strand): 5'-CCCCGCAGACGCCCCAGCCCACTTCTCAGCCTCAGCCTACCCCTCCCAATAGCATGCCAC[C>A]CTACTTGCCCAGGACTCAAGCTGCTGGCCCTGTGTCCCAGGGTAAGGCAGCAGGCCAGGT-3'
Protein context (NP_001420.2, residues 1875-1895): PQPTPPNSMP[Pro1885His]YLPRTQAAGP

ClinVar aggregate classification (germline): Uncertain significance (1 of 4 stars; one submission).

Conditions:
Rubinstein-Taybi syndrome due to EP300 haploinsufficiency. Also called: EP300-Related Rubinstein-Taybi Syndrome; RUBINSTEIN-TAYBI SYNDROME 2. Identifiers: Orphanet 353284, Orphanet 783, MedGen C3150941, MONDO:0013364, OMIM 613684.

Submission:

Labcorp Genetics (formerly Invitae), Labcorp
Classification: Uncertain significance for Rubinstein-Taybi syndrome due to EP300 haploinsufficiency. Last evaluated: 2025-07-15. Review status: criteria provided, single submitter. Criteria: Invitae Variant Classification Sherloc (09022015). Collection method: clinical testing. Allele origin: germline.
Comment: This sequence change replaces proline, which is neutral and non-polar, with histidine, which is basic and polar, at codon 1885 of the EP300 protein (p.Pro1885His). This variant is not present in population databases (gnomAD no frequency). This variant has not been reported in the literature in individuals affected with EP300-related conditions. Invitae Evidence Modeling of protein sequence and biophysical properties (such as structural, functional, and spatial information, amino acid conservation, physicochemical variation, residue mobility, and thermodynamic stability) indicates that this missense variant is not expected to disrupt EP300 protein function with a negative predictive value of 80%. In summary, the available evidence is currently insufficient to determine the role of this variant in disease. Therefore, it has been classified as a Variant of Uncertain Significance.